The following is an entry in ClinVar:

NM_001134407.3(GRIN2A):c.3902A>C (p.Glu1301Ala)

Gene: GRIN2A (glutamate ionotropic receptor NMDA type subunit 2A; minus strand). Cytogenetic location: 16p13.2.
Variant type: single nucleotide variant.
Coding change: c.3902A>C on transcript NM_001134407.3 (MANE Select); coding-DNA position 3902, A replaced by C.
Protein change: p.Glu1301Ala; replaces glutamic acid 1301 with alanine.
Molecular consequence: missense variant. On other transcripts: intron variant (1).
Genome position (GRCh38, 1-based): chr16:9,763,642, T>G on the plus strand (A>C on the coding strand, the complement: GRIN2A is on the minus strand). VCF-style: chr16-9763642-T-G. GRCh37 (hg19) VCF-style: chr16-9857499-T-G.
Other names: c.3902A>C, p.Glu1301Ala (NM_000833.5); c.3772+130A>C (NM_001134408.2); short protein forms E1301A.
Identifiers: ClinVar variation 3371789 (VCV003371789.1).
Genomic context (GRCh38, chr16:9,763,642, plus strand): 5'-TCCAGAAGCCGTTCCCTGTCCTTGAGGCTTATGCTCCGGGAGGGCCTGCTAAGGTCTAGC[T>G]CCCTAGGTTTGTCGACAATGTTATCGTAGGAATGCTGACGGCTAATCCTTAGCTTGTTCT-3'
Protein context (NP_001127879.1, residues 1291-1311): SYDNIVDKPR[Glu1301Ala]LDLSRPSRSI

ClinVar aggregate classification (germline): Uncertain significance (1 of 4 stars; one submission).

Submission:

GeneDx
Classification: Uncertain significance. Last evaluated: 2024-04-04. Review status: criteria provided, single submitter. Criteria: GeneDx Variant Classification Process June 2021. Collection method: clinical testing. Allele origin: germline. Affected: yes.
Comment: Not observed at significant frequency in large population cohorts (gnomAD); In silico analysis indicates that this missense variant does not alter protein structure/function; Has not been previously published as pathogenic or benign to our knowledge